The following is an entry in ClinVar:

ClinVar aggregate classification (germline): Uncertain significance (1 of 4 stars; one submission).

Conditions:
HNSHA due to aldolase A deficiency (GSD12). Also called: Glycogen storage disease due to aldolase A deficiency; GLYCOGEN STORAGE DISEASE XII; GSD XII; RED CELL ALDOLASE DEFICIENCY. Identifiers: Orphanet 57, MedGen C0272066, MONDO:0012747, OMIM 611881.

Allele frequency attached by ClinVar (database versions not stated): gnomAD exomes below 0.00001; TOPMed below 0.00001.
gnomAD v4.1: 1 of 1,614,154 alleles (0.000062%); highest among the groups gnomAD compares: Non-Finnish European, 0.000085%; no homozygotes.

Submission:

Labcorp Genetics (formerly Invitae), Labcorp
Classification: Uncertain significance for HNSHA due to aldolase A deficiency. Last evaluated: 2022-07-12. Review status: criteria provided, single submitter. Criteria: Invitae Variant Classification Sherloc (09022015). Collection method: clinical testing. Allele origin: germline.
Comment: This sequence change replaces alanine, which is neutral and non-polar, with glycine, which is neutral and non-polar, at codon 349 of the ALDOA protein (p.Ala349Gly). In summary, the available evidence is currently insufficient to determine the role of this variant in disease. Therefore, it has been classified as a Variant of Uncertain Significance. Algorithms developed to predict the effect of sequence changes on RNA splicing suggest that this variant may create or strengthen a splice site. Algorithms developed to predict the effect of missense changes on protein structure and function (SIFT, PolyPhen-2, Align-GVGD) all suggest that this variant is likely to be tolerated. ClinVar contains an entry for this variant (Variation ID: 1517488). This variant has not been reported in the literature in individuals affected with ALDOA-related conditions. This variant is not present in population databases (gnomAD no frequency).

NM_001243177.4(ALDOA):c.1208C>G (p.Ala403Gly)

Genes: ALDOA (aldolase, fructose-bisphosphate A; plus strand), LOC112694756 (uncharaterized LOC112694756; plus strand). Cytogenetic location: 16p11.2.
Variant type: single nucleotide variant.
Coding change: c.1208C>G on transcript NM_001243177.4 (MANE Select); coding-DNA position 1208, C replaced by G.
Protein change: p.Ala403Gly; replaces alanine 403 with glycine.
Molecular consequence: missense variant. On other transcripts: 3 prime UTR variant (3).
Genome position (GRCh38, 1-based): chr16:30,070,163, C>G. VCF-style: chr16-30070163-C-G. GRCh37 (hg19) VCF-style: chr16-30081484-C-G.
Other names: c.*1555C>G (NM_001365304.2, NM_001365305.2, NM_001365307.2); c.1046C>G, p.Ala349Gly (NM_001127617.2, NM_184041.5, NM_184043.2); short protein forms A349G, A403G.
Identifiers: ClinVar variation 1517488 (VCV001517488.8), dbSNP rs1261199026, ClinGen allele CA395495738.
Genomic context (GRCh38, chr16:30,070,163, plus strand): 5'-CTCTCCCTGCTTAGGCCAACAGCCTTGCCTGTCAAGGAAAGTACACTCCGAGCGGTCAGG[C>G]TGGGGCTGCTGCCAGCGAGTCCCTCTTCGTCTCTAACCACGCCTATTAAGCGGAGGTGTT-3'
Protein context (NP_001230106.1, residues 393-413): CQGKYTPSGQ[Ala403Gly]GAAASESLFV